The following is an entry in ClinVar:

ClinVar aggregate classification (germline): Likely pathogenic (1 of 4 stars; one submission).

Conditions:
Hypertrophic cardiomyopathy 26. Also called: Cardiomyopathy, familial hypertrophic, 26. Identifiers: Orphanet 75249, MedGen C4310749, MONDO:0014883, OMIM 617047.

Submission:

KardioGenetik, Herz- und Diabeteszentrum NRW
Classification: Likely pathogenic for Hypertrophic cardiomyopathy 26. Last evaluated: 2024-06-05. Review status: criteria provided, single submitter. Criteria: ACMG Guidelines, 2015. Collection method: clinical testing. Allele origin: unknown. Affected: yes. Observed: 1 variant allele.
Comment: PVS1, PM2_supporting

NM_001458.5(FLNC):c.979del (p.Val327fs)

Gene: FLNC (filamin C; plus strand). Cytogenetic location: 7q32.1.
Variant type: Deletion.
Coding change: c.979del on transcript NM_001458.5 (MANE Select); coding-DNA position 979, one base deleted (G; older notation c.979delG).
Protein change: p.Val327fs; shifts the reading frame from valine 327.
Molecular consequence: frameshift variant.
Genome position (GRCh38, 1-based): chr7:128,837,996, G deleted; the last of 2 consecutive G bases (chr7:128,837,995-128,837,996); deleting either gives the same sequence. VCF-style (leftmost placement, unchanged base first): chr7-128837994-TG-T. GRCh37 (hg19) VCF-style: chr7-128478048-TG-T.
Other names: c.979del, p.Val327fs (NM_001127487.2); short protein forms V327fs.
Identifiers: ClinVar variation 3258072 (VCV003258072.1).